The following is an entry in ClinVar:

NM_145045.5(ODAD3):c.1507G>T (p.Val503Leu)

Gene: ODAD3 (outer dynein arm docking complex subunit 3; minus strand). Cytogenetic location: 19p13.2.
Variant type: single nucleotide variant.
Coding change: c.1507G>T on transcript NM_145045.5 (MANE Select); coding-DNA position 1507, G replaced by T.
Protein change: p.Val503Leu; replaces valine 503 with leucine.
Molecular consequence: missense variant.
Genome position (GRCh38, 1-based): chr19:11,421,760, C>A on the plus strand (G>T on the coding strand, the complement: ODAD3 is on the minus strand). VCF-style: chr19-11421760-C-A. GRCh37 (hg19) VCF-style: chr19-11532428-C-A.
Other names: c.1345G>T, p.Val449Leu (NM_001302453.1); c.1327G>T, p.Val443Leu (NM_001302454.2); short protein forms V449L, V443L, V503L.
Identifiers: ClinVar variation 846529 (VCV000846529.7), dbSNP rs368706462, ClinGen allele CA9212007.

ClinVar aggregate classification (germline): Uncertain significance. Review status: criteria provided, multiple submitters, no conflicts (2 of 4 stars). 2 submissions from 2 submitters: Uncertain significance (2). Last evaluated 2025-04-12.

Conditions:
Primary ciliary dyskinesia 30. Also called: CILIARY DYSKINESIA, PRIMARY, 30, WITH OR WITHOUT SITUS INVERSUS. Identifiers: Orphanet 244, MedGen C4015016, MONDO:0014465, OMIM 616037.
Inborn genetic diseases. Identifiers: MedGen C0950123, MeSH D030342.

Allele frequency attached by ClinVar (database versions not stated): gnomAD exomes 0.00024 and 0.00014; ESP Exome Variant Server 0.00008; gnomAD 0.00013; ExAC 0.00014; TOPMed 0.00018.
gnomAD v4.1: 366 of 1,613,320 alleles (0.023%); highest among the groups gnomAD compares: South Asian, 0.031%; no homozygotes.

Submissions (2):

Ambry Genetics
Classification: Uncertain significance for Inborn genetic diseases. Last evaluated: 2025-04-12. Review status: criteria provided, single submitter. Criteria: Ambry Variant Classification Scheme 2023. Collection method: clinical testing. Allele origin: germline.

Labcorp Genetics (formerly Invitae), Labcorp
Classification: Uncertain significance for Primary ciliary dyskinesia 30. Last evaluated: 2022-08-09. Review status: criteria provided, single submitter. Criteria: Invitae Variant Classification Sherloc (09022015). Collection method: clinical testing. Allele origin: germline.
Comment: This sequence change replaces valine, which is neutral and non-polar, with leucine, which is neutral and non-polar, at codon 503 of the CCDC151 protein (p.Val503Leu). This variant is present in population databases (rs368706462, gnomAD 0.04%). This variant has not been reported in the literature in individuals affected with CCDC151-related conditions. ClinVar contains an entry for this variant (Variation ID: 846529). Algorithms developed to predict the effect of missense changes on protein structure and function are either unavailable or do not agree on the potential impact of this missense change (SIFT: "Tolerated"; PolyPhen-2: "Probably Damaging"; Align-GVGD: "Class C0"). In summary, the available evidence is currently insufficient to determine the role of this variant in disease. Therefore, it has been classified as a Variant of Uncertain Significance.